The following is an entry in ClinVar:

ClinVar aggregate classification (germline): Uncertain significance. Review status: criteria provided, multiple submitters, no conflicts (2 of 4 stars). 2 submissions from 2 submitters: Uncertain significance (2). Last evaluated 2024-01-22.

Conditions:
Inborn genetic diseases. Identifiers: MedGen C0950123, MeSH D030342.

Submissions (2):

Ambry Genetics
Classification: Uncertain significance for Inborn genetic diseases. Last evaluated: 2024-01-22. Review status: criteria provided, single submitter. Criteria: Ambry Variant Classification Scheme 2023. Collection method: clinical testing. Allele origin: germline.

GeneDx
Classification: Uncertain significance. Last evaluated: 2013-07-19. Review status: criteria provided, single submitter. Criteria: GeneDx Variant Classification (06012015). Collection method: clinical testing. Allele origin: germline. Affected: yes.
Comment: p.Pro670Ser (CCC>TCC): c.2008 C>T in exon 11 of the POLG gene (NM_002693.2). The Pro670Ser missense change has not been published as a mutation, nor has it been reported as a benign polymorphism to our knowledge. It was not observed in approximately 6,500 individuals of European and African American ancestry in the NHLBI Exome Sequencing Project, indicating it is not a common benign variant in these populations. This variant is a non-conservative amino acid substitution of a non-polar Proline residue with a polar Serine residue, and the loss of a bulky Proline may alter the secondary structure of the protein. However, it alters a position that is not conserved across species. In silico analysis is inconsistent with regard to the effect this variant may have on the protein structure/function. Therefore, based on the currently available information, it is unclear whether Pro670Ser is a disease-causing mutation or a rare benign variant. The variant is found in INFANT-EPI panel(s).

NM_002693.3(POLG):c.2008C>T (p.Pro670Ser)

Genes: POLG (DNA polymerase gamma, catalytic subunit; minus strand), POLGARF (POLG alternative reading frame; minus strand). Cytogenetic location: 15q26.1.
Variant type: single nucleotide variant.
Coding change: c.2008C>T on transcript NM_002693.3 (MANE Select); coding-DNA position 2008, C replaced by T.
Protein change: p.Pro670Ser; replaces proline 670 with serine.
Molecular consequence: missense variant.
Genome position (GRCh38, 1-based): chr15:89,324,169, G>A on the plus strand (C>T on the coding strand, the complement: POLG is on the minus strand). VCF-style: chr15-89324169-G-A. GRCh37 (hg19) VCF-style: chr15-89867400-G-A.
Other names: p.P670S:CCC>TCC; c.2008C>T, p.Pro670Ser (NM_001126131.2); short protein forms P670S.
Identifiers: ClinVar variation 206505 (VCV000206505.3), dbSNP rs771980703, ClinGen allele CA316656.